The following is an entry in ClinVar:

ClinVar aggregate classification (germline): Likely pathogenic (1 of 4 stars; one submission).

Submission:

GeneDx
Classification: Likely pathogenic. Last evaluated: 2022-09-01. Review status: criteria provided, single submitter. Criteria: GeneDx Variant Classification Process June 2021. Collection method: clinical testing. Allele origin: germline. Affected: yes.
Comment: Identified in a patient with ataxia and lower extremity spasticity with a second variant (phase unknown) in the published literature (Pfeffer et al., 2015); Frameshift variant predicted to result in protein truncation or nonsense mediated decay in a gene for which loss of function is a known mechanism of disease; Not observed at significant frequency in large population cohorts (gnomAD); This variant is associated with the following publications: (PMID: 25681447)

NM_003119.4(SPG7):c.1225_1229del (p.Glu409fs)

Gene: SPG7 (SPG7 matrix AAA peptidase subunit, paraplegin; plus strand). Cytogenetic location: 16q24.3.
Variant type: Deletion.
Coding change: c.1225_1229del on transcript NM_003119.4 (MANE Select); coding-DNA positions 1225 to 1229, 5 bases deleted (GAGAT; older notation c.1225_1229delGAGAT).
Protein change: p.Glu409fs; shifts the reading frame from glutamic acid 409.
Molecular consequence: frameshift variant.
Genome position (GRCh38, 1-based): chr16:89,532,537-89,532,541, GAGAT deleted; deleting any 5 consecutive bases within chr16:89,532,534-89,532,541 gives the same sequence; the c. name uses the placement nearest the transcript's 3' end. VCF-style (leftmost placement, unchanged base first): chr16-89532533-CGATGA-C. GRCh37 (hg19) VCF-style: chr16-89598941-CGATGA-C.
Other names: c.1225_1229del, p.Glu409fs (NM_001363850.1, NM_199367.3); short protein forms E409fs.
Identifiers: ClinVar variation 2442418 (VCV002442418.1), dbSNP rs2543765843, ClinGen allele CA497175503.
Genomic context (GRCh38, chr16:89,532,533, plus strand): 5'-TGCCCGTGTGCGGAGCCTCTTTAAGGAAGCCCGAGCCCGGGCCCCCTGCATCGTCTACAT[CGATGA>C]GATCGACGCGGTGGGCAAGAAGCGCTCCACCACCATGTCCGGCTTCTCCAACACGGAGGA-3'